The following is an entry in ClinVar:

ClinVar aggregate classification (germline): Uncertain significance. Review status: criteria provided, multiple submitters, no conflicts (2 of 4 stars). 5 submissions from 5 submitters: Uncertain significance (5). Last evaluated 2025-07-27.

Conditions:
Cardiovascular phenotype. Identifiers: MedGen CN230736.
Arrhythmogenic right ventricular cardiomyopathy (ARVD). Also called: Arrhythmogenic cardiomyopathy; Cardiomyopathy, ARVC; Arrhythmogenic right ventricular dysplasia; Arrhythmogenic Right Ventricular Cardiomyopathy (ARVC). Identifiers: Orphanet 247, MedGen C0349788, MeSH D019571, MONDO:0016587. Disease mechanism: loss of function. Inheritance: Various modes of inheritance.
Cardiomyopathy (CMYO). Also called: Cardiomyopathies. Identifiers: Orphanet 167848, MedGen C0878544, MONDO:0004994, HP:0001638. Inheritance: Various modes of inheritance.
Arrhythmogenic right ventricular dysplasia 9 (ARVD9). Also called: Arrhythmogenic Right Ventricular Dysplasia/Cardiomyopathy 9; ARRHYTHMOGENIC RIGHT VENTRICULAR DYSPLASIA, FAMILIAL, 9. Identifiers: MedGen C1836906, MONDO:0012180, OMIM 609040.

Allele frequency attached by ClinVar (database versions not stated): gnomAD exomes below 0.00001; gnomAD 0.00001 and 0.00002; TOPMed 0.00001.
gnomAD v4.1: 3 of 1,612,492 alleles (0.00019%); highest among the groups gnomAD compares: African/African-American, 0.004%; no homozygotes.

Submissions (5):

Labcorp Genetics (formerly Invitae), Labcorp
Classification: Uncertain significance for Arrhythmogenic right ventricular dysplasia 9. Last evaluated: 2025-07-27. Review status: criteria provided, single submitter. Criteria: Invitae Variant Classification Sherloc (09022015). Collection method: clinical testing. Allele origin: germline.
Comment: This sequence change replaces alanine, which is neutral and non-polar, with threonine, which is neutral and polar, at codon 128 of the PKP2 protein (p.Ala128Thr). This variant is not present in population databases (gnomAD no frequency). This variant has not been reported in the literature in individuals affected with PKP2-related conditions. ClinVar contains an entry for this variant (Variation ID: 918505). An algorithm developed to predict the effect of missense changes on protein structure and function outputs the following: PolyPhen-2: "Benign". The threonine amino acid residue is found in multiple mammalian species, which suggests that this missense change does not adversely affect protein function. In summary, the available evidence is currently insufficient to determine the role of this variant in disease. Therefore, it has been classified as a Variant of Uncertain Significance.

Ambry Genetics
Classification: Uncertain significance for Cardiovascular phenotype. Last evaluated: 2024-10-20. Review status: criteria provided, single submitter. Criteria: Ambry Variant Classification Scheme 2023. Collection method: clinical testing. Allele origin: germline.

All of Us Research Program, National Institutes of Health
Classification: Uncertain significance for Arrhythmogenic right ventricular cardiomyopathy. Last evaluated: 2024-07-20. Review status: criteria provided, single submitter. Criteria: ACMG Guidelines, 2015. Collection method: clinical testing. Allele origin: germline. Inheritance: Autosomal dominant inheritance. Observed: 2 variant alleles, 2 heterozygotes.
Comment: This missense variant replaces alanine with threonine at codon 128 of the PKP2 protein. Computational prediction suggests that this variant may not impact protein structure and function (internally defined REVEL score threshold <= 0.5, PMID: 27666373). To our knowledge, functional studies have not been reported for this variant. This variant has not been reported in individuals affected with cardiovascular disorders in the literature. This variant has not been identified in the general population by the Genome Aggregation Database (gnomAD). The available evidence is insufficient to determine the role of this variant in disease conclusively. Therefore, this variant is classified as a Variant of Uncertain Significance.

This study involves interpretation of variants in research participants for the purpose of population health screening. Participant phenotype was not available at the time of variant classification. Additional details can be found in publication PMID: 35346344, PMCID: PMC8962531

Color Diagnostics, LLC DBA Color Health
Classification: Uncertain significance for Cardiomyopathy. Last evaluated: 2024-03-07. Review status: criteria provided, single submitter. Criteria: ACMG Guidelines, 2015. Collection method: clinical testing. Allele origin: germline.
Comment: This missense variant replaces alanine with threonine at codon 128 of the PKP2 protein. Computational prediction suggests that this variant may not impact protein structure and function (internally defined REVEL score threshold <= 0.5, PMID: 27666373). To our knowledge, functional studies have not been reported for this variant. This variant has not been reported in individuals affected with cardiovascular disorders in the literature. This variant has not been identified in the general population by the Genome Aggregation Database (gnomAD). The available evidence is insufficient to determine the role of this variant in disease conclusively. Therefore, this variant is classified as a Variant of Uncertain Significance.

GeneDx
Classification: Uncertain significance. Last evaluated: 2019-05-14. Review status: criteria provided, single submitter. Criteria: GeneDx Variant Classification Process June 2021. Collection method: clinical testing. Allele origin: germline. Affected: yes.
Comment: Has not been previously published as pathogenic or benign to our knowledge; Not observed in large population cohorts (Lek et al., 2016); In silico analysis, which includes protein predictors and evolutionary conservation, supports that this variant does not alter protein structure/function

NM_001005242.3(PKP2):c.382G>A (p.Ala128Thr)

Gene: PKP2 (plakophilin 2; minus strand). Cytogenetic location: 12p11.21.
Variant type: single nucleotide variant.
Coding change: c.382G>A on transcript NM_001005242.3 (MANE Select); coding-DNA position 382, G replaced by A.
Protein change: p.Ala128Thr; replaces alanine 128 with threonine.
Molecular consequence: missense variant.
Genome position (GRCh38, 1-based): chr12:32,878,498, C>T on the plus strand (G>A on the coding strand, the complement: PKP2 is on the minus strand). VCF-style: chr12-32878498-C-T. GRCh37 (hg19) VCF-style: chr12-33031432-C-T.
Other names: c.382G>A, p.Ala128Thr (NM_004572.4); short protein forms A128T.
Identifiers: ClinVar variation 918505 (VCV000918505.18), dbSNP rs1193697338, ClinGen allele CA384365428.